The following is an entry in ClinVar:

NM_015221.4(DNMBP):c.3815A>C (p.Gln1272Pro)

Gene: DNMBP (dynamin binding protein; minus strand). Cytogenetic location: 10q24.2.
Variant type: single nucleotide variant.
Coding change: c.3815A>C on transcript NM_015221.4 (MANE Select); coding-DNA position 3815, A replaced by C.
Protein change: p.Gln1272Pro; replaces glutamine 1272 with proline.
Molecular consequence: missense variant.
Genome position (GRCh38, 1-based): chr10:99,884,193, T>G on the plus strand (A>C on the coding strand, the complement: DNMBP is on the minus strand). VCF-style: chr10-99884193-T-G. GRCh37 (hg19) VCF-style: chr10-101643950-T-G.
Other names: c.2711A>C, p.Gln904Pro (NM_001318326.2); c.1553A>C, p.Gln518Pro (NM_001318327.2); short protein forms Q1272P, Q560P, Q904P, Q518P.
Identifiers: ClinVar variation 1050131 (VCV001050131.4), dbSNP rs200569120, ClinGen allele CA5644437.

ClinVar aggregate classification (germline): Uncertain significance. Review status: criteria provided, single submitter (1 of 4 stars). 2 submissions from 2 submitters: Uncertain significance (1). 1 of the submissions does not count toward it. Last evaluated 2022-09-27.

Allele frequency attached by ClinVar (database versions not stated): ExAC 0.00004; gnomAD exomes 0.00011.
gnomAD v4.1: 97 of 1,613,124 alleles (0.006%); highest among the groups gnomAD compares: Admixed American, 0.01%; no homozygotes.

Submissions (2):

Ambry Genetics
Classification: Uncertain significance. Last evaluated: 2022-09-27. Review status: criteria provided, single submitter. Criteria: Ambry Variant Classification Scheme 2023. Collection method: clinical testing. Allele origin: germline.

Department of Pathology and Laboratory Medicine, Sinai Health System
Classification: Uncertain significance. Review status: no assertion criteria provided. Collection method: clinical testing. Allele origin: unknown. Affected: yes. Study: The Canadian Open Genetics Repository (COGR). Not counted in ClinVar's aggregate classification.
Comment: The DNMBP p.Gln904Pro variant was not identified in the literature nor was it identified in ClinVar. The variant was identified in dbSNP (ID: rs200569120) and in control databases in 27 of 251282 chromosomes at a frequency of 0.0001074 (Genome Aggregation Database March 6, 2019, v2.1.1). The variant was observed in the following populations: Ashkenazi Jewish in 20 of 10074 chromosomes (freq: 0.001985), Other in 1 of 6134 chromosomes (freq: 0.000163), Latino in 3 of 34562 chromosomes (freq: 0.000087) and European (non-Finnish) in 3 of 113612 chromosomes (freq: 0.000026), but was not observed in the African, East Asian, European (Finnish), or South Asian populations. The p.Gln904 residue is conserved in mammals and computational analyses (PolyPhen-2, SIFT, AlignGVGD, BLOSUM, MutationTaster) suggest that the variant may impact the protein. The variant occurs outside of the splicing consensus sequence and in silico or computational prediction software programs (SpliceSiteFinder, MaxEntScan, NNSPLICE, GeneSplicer) do not predict a difference in splicing. In summary, based on the above information the clinical significance of this variant cannot be determined with certainty at this time. This variant is classified as a variant of uncertain significance.